The following is an entry in ClinVar:

ClinVar aggregate classification (germline): Uncertain significance (1 of 4 stars; one submission).

Conditions:
Mucopolysaccharidosis type 1. Also called: IDUA deficiency; MPS I. Identifiers: Orphanet 579, MedGen C0023786, MONDO:0001586.

gnomAD v4.1: 1 of 1,611,774 alleles (0.000062%); highest among the groups gnomAD compares: Admixed American, 0.0017%; no homozygotes.

Submission:

Labcorp Genetics (formerly Invitae), Labcorp
Classification: Uncertain significance for Mucopolysaccharidosis type 1. Last evaluated: 2021-12-01. Review status: criteria provided, single submitter. Criteria: Invitae Variant Classification Sherloc (09022015). Collection method: clinical testing. Allele origin: germline.
Comment: This sequence change replaces glycine, which is neutral and non-polar, with arginine, which is basic and polar, at codon 101 of the IDUA protein (p.Gly101Arg). This variant is not present in population databases (gnomAD no frequency). This variant has not been reported in the literature in individuals affected with IDUA-related conditions. Algorithms developed to predict the effect of missense changes on protein structure and function output the following: SIFT: "Tolerated"; PolyPhen-2: "Benign"; Align-GVGD: "Class C0". The arginine amino acid residue is found in multiple mammalian species, which suggests that this missense change does not adversely affect protein function. In summary, the available evidence is currently insufficient to determine the role of this variant in disease. Therefore, it has been classified as a Variant of Uncertain Significance.

NM_000203.5(IDUA):c.301G>A (p.Gly101Arg)

Gene: IDUA (alpha-L-iduronidase; plus strand). Cytogenetic location: 4p16.3.
Variant type: single nucleotide variant.
Coding change: c.301G>A on transcript NM_000203.5 (MANE Select); coding-DNA position 301, G replaced by A.
Protein change: p.Gly101Arg; replaces glycine 101 with arginine.
Molecular consequence: missense variant. On other transcripts: 5 prime UTR variant (1), non-coding transcript variant (1).
Genome position (GRCh38, 1-based): chr4:1,000,613, G>A. VCF-style: chr4-1000613-G-A. GRCh37 (hg19) VCF-style: chr4-994401-G-A.
Other names: c.-96G>A (NM_001363576.1); short protein forms G101R.
Identifiers: ClinVar variation 1417914 (VCV001417914.3), dbSNP rs2153021609, ClinGen allele CA355960975.